The following is an entry in ClinVar:

NM_016333.4(SRRM2):c.3919G>A (p.Gly1307Arg)

Gene: SRRM2 (serine/arginine repetitive matrix 2; plus strand). Cytogenetic location: 16p13.3.
Variant type: single nucleotide variant.
Coding change: c.3919G>A on transcript NM_016333.4 (MANE Select); coding-DNA position 3919, G replaced by A.
Protein change: p.Gly1307Arg; replaces glycine 1307 with arginine.
Molecular consequence: missense variant.
Genome position (GRCh38, 1-based): chr16:2,764,447, G>A. VCF-style: chr16-2764447-G-A. GRCh37 (hg19) VCF-style: chr16-2814448-G-A.
Other names: short protein forms G1307R.
Identifiers: ClinVar variation 4527775 (VCV004527775.1).
Genomic context (GRCh38, chr16:2,764,447, plus strand): 5'-AGCCAGTCACAGGCTTCTTTGGAAGCAGTAGAAGTCCCTTCAATGGCCTCATCTTGGGGT[G>A]GGCCACATTTTTCTCCAGAACATAAAGAACTGTCTAACTCCCCACTCAGGGAGAACAGCT-3'
Protein context (NP_057417.3, residues 1297-1317): EVPSMASSWG[Gly1307Arg]PHFSPEHKEL

ClinVar aggregate classification (germline): Uncertain significance (1 of 4 stars; one submission).

Submission:

GeneDx
Classification: Uncertain significance. Last evaluated: 2025-05-05. Review status: criteria provided, single submitter. Criteria: GeneDx Variant Classification Process June 2021. Collection method: clinical testing. Allele origin: germline. Affected: yes.
Comment: Not observed at significant frequency in large population cohorts (gnomAD); In silico analysis suggests that this missense variant does not alter protein structure/function; Has not been previously published as pathogenic or benign to our knowledge